The following is an entry in ClinVar:

ClinVar aggregate classification (germline): Uncertain significance (1 of 4 stars; one submission).

Allele frequency attached by ClinVar (database versions not stated): gnomAD exomes 0.00002 and 0.00003; gnomAD 0.00003 and 0.00002; ExAC 0.00002; TOPMed 0.00005.
gnomAD v4.1: 42 of 1,612,788 alleles (0.0026%); highest among the groups gnomAD compares: African/African-American, 0.0053%; no homozygotes.

Submission:

Labcorp Genetics (formerly Invitae), Labcorp
Classification: Uncertain significance. Last evaluated: 2023-08-19. Review status: criteria provided, single submitter. Criteria: Invitae Variant Classification Sherloc (09022015). Collection method: clinical testing. Allele origin: germline.
Comment: This variant is present in population databases (rs775900852, gnomAD 0.008%). In summary, the available evidence is currently insufficient to determine the role of this variant in disease. Therefore, it has been classified as a Variant of Uncertain Significance. An algorithm developed to predict the effect of missense changes on protein structure and function (PolyPhen-2) suggests that this variant is likely to be tolerated. ClinVar contains an entry for this variant (Variation ID: 1480787). This variant has not been reported in the literature in individuals affected with NUP62-related conditions. This sequence change replaces arginine, which is basic and polar, with histidine, which is basic and polar, at codon 363 of the NUP62 protein (p.Arg363His).

NM_016553.5(NUP62):c.1088G>A (p.Arg363His)

Genes: IL4I1 (interleukin 4 induced 1; minus strand), NUP62 (nucleoporin 62; minus strand). Cytogenetic location: 19q13.33.
Variant type: single nucleotide variant.
Coding change: c.1088G>A on transcript NM_016553.5 (MANE Select); coding-DNA position 1088, G replaced by A.
Protein change: p.Arg363His; replaces arginine 363 with histidine.
Molecular consequence: missense variant. On other transcripts: intron variant (3).
Genome position (GRCh38, 1-based): chr19:49,908,720, C>T on the plus strand (G>A on the coding strand, the complement: NUP62 is on the minus strand). VCF-style: chr19-49908720-C-T. GRCh37 (hg19) VCF-style: chr19-50411977-C-T.
Other names: c.1088G>A, p.Arg363His (NM_001193357.2, NM_012346.5, NM_153718.4 and 1 more transcripts); c.-227-4399G>A (NM_001258017.2, NM_172374.3); c.-285-4399G>A (NM_001258018.2); short protein forms R363H.
Identifiers: ClinVar variation 1480787 (VCV001480787.6), dbSNP rs775900852, ClinGen allele CA9588958.